The following is an entry in ClinVar:

ClinVar aggregate classification (germline): Benign/Likely benign. Review status: criteria provided, multiple submitters, no conflicts (2 of 4 stars). 5 submissions from 5 submitters: Benign (1); Likely benign (2). 2 of the submissions do not count toward it. Last evaluated 2026-01-26.

Conditions:
Congenital stationary night blindness 1C. Also called: Night blindness, congenital stationary (complete), 1C, autosomal recessive. Identifiers: Orphanet 215, MedGen C2750747, MONDO:0013183, OMIM 613216.

Allele frequency attached by ClinVar (database versions not stated): gnomAD 0.00158 and 0.00162; 1000 Genomes Project 0.00160; TOPMed 0.00164; gnomAD exomes 0.00175 and 0.00204; ExAC 0.00185; 1000 Genomes Project 30x 0.00187; ESP Exome Variant Server 0.00241.
gnomAD v4.1: 3,234 of 1,613,260 alleles (0.2%); highest among the groups gnomAD compares: Non-Finnish European, 0.24%; 2 homozygotes.

Submissions (5):

Labcorp Genetics (formerly Invitae), Labcorp
Classification: Benign. Last evaluated: 2026-01-26. Review status: criteria provided, single submitter. Criteria: Invitae Variant Classification Sherloc (09022015). Collection method: clinical testing. Allele origin: germline.

Blueprint Genetics
Classification: Likely benign. Last evaluated: 2024-11-25. Review status: criteria provided, single submitter. Criteria: ACMG Guidelines, 2015. Collection method: clinical testing. Allele origin: germline.

Illumina Laboratory Services, Illumina
Classification: Likely benign for Congenital stationary night blindness 1C. Last evaluated: 2018-01-13. Review status: criteria provided, single submitter. Criteria: ICSL Variant Classification Criteria 13 December 2019. Collection method: clinical testing. Allele origin: germline.
Comment: This variant was observed in the ICSL laboratory as part of a predisposition screen in an ostensibly healthy population. It had not been previously curated by ICSL or reported in the Human Gene Mutation Database (HGMD: prior to June 1st, 2018), and was therefore a candidate for classification through an automated scoring system. Utilizing variant allele frequency, disease prevalence and penetrance estimates, and inheritance mode, an automated score was calculated to assess if this variant is too frequent to cause the disease. Based on the score and internal cut-off values, a variant classified as likely benign is not then subjected to further curation. The score for this variant resulted in a classification of likely benign for this disease.

Clinical Genetics DNA and cytogenetics Diagnostics Lab, Erasmus MC, Erasmus Medical Center
Classification: Likely benign. Review status: no assertion criteria provided. Collection method: clinical testing. Allele origin: germline. Affected: yes. Study: VKGL Data-share Consensus. Not counted in ClinVar's aggregate classification.

Clinical Genetics, Academic Medical Center
Classification: Benign. Review status: no assertion criteria provided. Collection method: clinical testing. Allele origin: germline. Affected: yes. Study: VKGL Data-share Consensus. Not counted in ClinVar's aggregate classification.

NM_001252024.2(TRPM1):c.1573-10T>C

Gene: TRPM1 (transient receptor potential cation channel subfamily M member 1; minus strand). Cytogenetic location: 15q13.3.
Variant type: single nucleotide variant.
Coding change: c.1573-10T>C on transcript NM_001252024.2 (MANE Select); 10 bases into the intron before coding-DNA position 1573, T replaced by C.
Molecular consequence: intron variant.
Genome position (GRCh38, 1-based): chr15:31,047,949, A>G on the plus strand (T>C on the coding strand, the complement: TRPM1 is on the minus strand). VCF-style: chr15-31047949-A-G. GRCh37 (hg19) VCF-style: chr15-31340152-A-G.
Other names: c.1624-10T>C (NM_001252020.2); c.1507-10T>C (NM_002420.6).
Identifiers: ClinVar variation 315524 (VCV000315524.18), dbSNP rs202224865, ClinGen allele CA7452516.
Genomic context (GRCh38, chr15:31,047,949, plus strand): 5'-CTTTTTCACATCCCTCACCAGCAGATGAAGTGTGTTTGGTGGACCCAGTCTCTGAAAGAG[A>G]AGCATTCATGTGTGTTAAATATGTTTTTCTTGGCCAGGCGCGGTGGCTCACGCCTGTAGT-3'